The following is an entry in ClinVar:

ClinVar aggregate classification (germline): Likely benign. Review status: criteria provided, multiple submitters, no conflicts (2 of 4 stars). 3 submissions from 3 submitters: Likely benign (3). Last evaluated 2024-06-12.

Conditions:
Fanconi anemia (FA). Also called: Fanconi's anemia. Identifiers: Orphanet 84, MedGen C0015625, MeSH D005199, MONDO:0019391.

gnomAD v4.1: 2 of 1,614,114 alleles (0.00012%); highest among the groups gnomAD compares: Middle Eastern, 0.016%; no homozygotes.

Submissions (3):

Blueprint Genetics
Classification: Likely benign. Last evaluated: 2024-06-12. Review status: criteria provided, single submitter. Criteria: ACMG Guidelines, 2015. Collection method: clinical testing. Allele origin: germline.

Labcorp Genetics (formerly Invitae), Labcorp
Classification: Likely benign for Fanconi anemia. Last evaluated: 2024-01-27. Review status: criteria provided, single submitter. Criteria: Invitae Variant Classification Sherloc (09022015). Collection method: clinical testing. Allele origin: germline.

GeneDx
Classification: Likely benign. Last evaluated: 2016-04-12. Review status: criteria provided, single submitter. Criteria: GeneDx Variant Classification (06012015). Collection method: clinical testing. Allele origin: germline. Affected: yes.
Comment: This variant is considered likely benign or benign based on one or more of the following criteria: it is a conservative change, it occurs at a poorly conserved position in the protein, it is predicted to be benign by multiple in silico algorithms, and/or has population frequency not consistent with disease.

NM_000136.3(FANCC):c.1155-13G>C

Genes: AOPEP (aminopeptidase O (putative); plus strand), FANCC (FA complementation group C; minus strand). Cytogenetic location: 9q22.32.
Variant type: single nucleotide variant.
Coding change: c.1155-13G>C on transcript NM_000136.3 (MANE Select); 13 bases into the intron before coding-DNA position 1155, G replaced by C.
Molecular consequence: intron variant.
Genome position (GRCh38, 1-based): chr9:95,111,650, C>G on the plus strand (G>C on the coding strand, the complement: FANCC is on the minus strand). VCF-style: chr9-95111650-C-G. GRCh37 (hg19) VCF-style: chr9-97873932-C-G.
Other names: c.1155-13G>C (NM_001243743.2, NM_001243744.2).
Identifiers: ClinVar variation 385530 (VCV000385530.5), dbSNP rs747142087, ClinGen allele CA5137430.
Genomic context (GRCh38, chr9:95,111,650, plus strand): 5'-CCGAAGTGAATGAACAGGAACCAGCTCTCAAAGGGACCTCCGCAGGACCTGGAACAGAGG[C>G]AGAACACATGGCAGTTGACAACCTAAATTCTTCTTCCTTTGGGTTTTTAAAGCAACTTTA-3'